The following is an entry in ClinVar:

ClinVar aggregate classification (germline): Uncertain significance. Review status: criteria provided, multiple submitters, no conflicts (2 of 4 stars). 3 submissions from 3 submitters: Uncertain significance (3). Last evaluated 2026-07-01.

Conditions:
Familial thoracic aortic aneurysm and aortic dissection (TAAD). Also called: Thoracic aortic aneurysms and dissections. Identifiers: Orphanet 91387, MedGen C4707243, MONDO:0019625.
Aortic aneurysm, familial thoracic 4 (AAT4). Also called: AORTIC ANEURYSM/AORTIC DISSECTION AND PATENT DUCTUS ARTERIOSUS. Identifiers: MedGen C1851504, MONDO:0007568, OMIM 132900.

Allele frequency attached by ClinVar (database versions not stated): gnomAD exomes 0.00002; ExAC 0.00004; gnomAD 0.00004.
gnomAD v4.1: 36 of 1,608,966 alleles (0.0022%); highest among the groups gnomAD compares: Admixed American, 0.0051%; no homozygotes.

Submissions (3):

Ambry Genetics
Classification: Uncertain significance for Familial thoracic aortic aneurysm and aortic dissection. Last evaluated: 2026-07-01. Review status: criteria provided, single submitter. Criteria: Ambry Variant Classification Scheme 2023. Collection method: clinical testing. Allele origin: germline.
Comment: The p.S1944L variant (also known as c.5831C>T), located in coding exon 41 of the MYH11 gene, results from a C to T substitution at nucleotide position 5831. The serine at codon 1944 is replaced by leucine, an amino acid with dissimilar properties. This amino acid position is conserved. In addition, this alteration is predicted to be tolerated by in silico analysis. Based on the available evidence, the clinical significance of this variant remains unclear.

Color Diagnostics, LLC DBA Color Health
Classification: Uncertain significance for Familial thoracic aortic aneurysm and aortic dissection. Last evaluated: 2024-03-06. Review status: criteria provided, single submitter. Criteria: ACMG Guidelines, 2015. Collection method: clinical testing. Allele origin: germline.
Comment: This missense variant replaces serine with leucine at codon 1944 of the MYH11 protein. Computational prediction suggests that this variant may not impact protein structure and function (internally defined REVEL score threshold <= 0.5, PMID: 27666373). To our knowledge, functional studies have not been reported for this variant. This variant has not been reported in individuals affected with MYH11-related disorders in the literature. This variant has been identified in 7/273232 chromosomes in the general population by the Genome Aggregation Database (gnomAD). The available evidence is insufficient to determine the role of this variant in disease conclusively. Therefore, this variant is classified as a Variant of Uncertain Significance.

Labcorp Genetics (formerly Invitae), Labcorp
Classification: Uncertain significance for Aortic aneurysm, familial thoracic 4. Last evaluated: 2022-02-20. Review status: criteria provided, single submitter. Criteria: Invitae Variant Classification Sherloc (09022015). Collection method: clinical testing. Allele origin: germline.
Comment: This sequence change replaces serine, which is neutral and polar, with leucine, which is neutral and non-polar, at codon 1944 of the MYH11 protein (p.Ser1944Leu). This variant is present in population databases (rs754183610, gnomAD 0.008%). This missense change has been observed in individual(s) with clinical features of MYH11-related conditions (Invitae). ClinVar contains an entry for this variant (Variation ID: 565637). Algorithms developed to predict the effect of missense changes on protein structure and function are either unavailable or do not agree on the potential impact of this missense change (SIFT: "Deleterious"; PolyPhen-2: "Possibly Damaging"; Align-GVGD: "Class C15"). Algorithms developed to predict the effect of sequence changes on RNA splicing suggest that this variant may disrupt the consensus splice site. In summary, the available evidence is currently insufficient to determine the role of this variant in disease. Therefore, it has been classified as a Variant of Uncertain Significance.

NM_001040113.2(MYH11):c.5831C>T (p.Ser1944Leu)

Genes: MYH11 (myosin heavy chain 11; minus strand), NDE1 (nudE neurodevelopment protein 1; plus strand). Cytogenetic location: 16p13.11.
Variant type: single nucleotide variant.
Coding change: c.5831C>T on transcript NM_001040113.2 (MANE Plus Clinical); coding-DNA position 5831, C replaced by T.
Protein change: p.Ser1944Leu; replaces serine 1944 with leucine.
Molecular consequence: missense variant. On other transcripts: intron variant (4).
Genome position (GRCh38, 1-based): chr16:15,708,818, G>A on the plus strand (C>T on the coding strand, the complement: MYH11 is on the minus strand). VCF-style: chr16-15708818-G-A. GRCh37 (hg19) VCF-style: chr16-15802675-G-A.
Other names: c.5810C>T, p.Ser1937Leu (NM_022844.3); c.947+11958G>A (NM_001143979.2, NM_017668.3); c.5787-4695C>T (NM_002474.3); c.5808-4695C>T (NM_001040114.2); short protein forms S1944L, S1937L.
Identifiers: ClinVar variation 565637 (VCV000565637.8), dbSNP rs754183610, ClinGen allele CA7921100.
Genomic context (GRCh38, chr16:15,708,818, plus strand): 5'-TGGATACTGAGACAACACACAGCTGCGAAGCTGAAGGCATGATACCTGGTGCATCACTGC[G>A]AAGTTTCCTGTGGGGGGGGCCCTCTGAAACAGAGAGAGAATCCCCGGAGGTTACCATCAG-3'
Protein context (NP_001035202.1, residues 1934-1945): KLRGPPPQET[Ser1944Leu]Q